The following is an entry in ClinVar:

NM_001211.6(BUB1B):c.2583G>T (p.Leu861Phe)

Gene: BUB1B (BUB1 mitotic checkpoint serine/threonine kinase B; plus strand). Cytogenetic location: 15q15.1.
Variant type: single nucleotide variant.
Coding change: c.2583G>T on transcript NM_001211.6 (MANE Select); coding-DNA position 2583, G replaced by T.
Protein change: p.Leu861Phe; replaces leucine 861 with phenylalanine.
Molecular consequence: missense variant.
Genome position (GRCh38, 1-based): chr15:40,213,379, G>T. VCF-style: chr15-40213379-G-T. GRCh37 (hg19) VCF-style: chr15-40505580-G-T.
Other names: short protein forms L861F.
Identifiers: ClinVar variation 3262249 (VCV003262249.1).
Genomic context (GRCh38, chr15:40,213,379, plus strand): 5'-CTTCAATTTCCAGGATCTTCTCCAACACAGTGAATATATTACCCATGAAATAACAGTGTT[G>T]ATTATTTATAACCTTTTGACAATAGTGGAGATGCTACACAAAGCAGAAATAGTCCATGGT-3'
Protein context (NP_001202.5, residues 851-871): SEYITHEITV[Leu861Phe]IIYNLLTIVE

ClinVar aggregate classification (germline): Uncertain significance (1 of 4 stars; one submission).

Conditions:
Inborn genetic diseases. Identifiers: MedGen C0950123, MeSH D030342.

Submission:

Ambry Genetics
Classification: Uncertain significance for Inborn genetic diseases. Last evaluated: 2024-04-28. Review status: criteria provided, single submitter. Criteria: Ambry Variant Classification Scheme 2023. Collection method: clinical testing. Allele origin: germline.
Comment: The p.L861F variant (also known as c.2583G>T), located in coding exon 20 of the BUB1B gene, results from a G to T substitution at nucleotide position 2583. The leucine at codon 861 is replaced by phenylalanine, an amino acid with highly similar properties. This amino acid position is conserved. In addition, the in silico prediction for this alteration is inconclusive. Based on the available evidence, the clinical significance of this variant remains unclear.